The following is an entry in ClinVar:

NM_032043.3(BRIP1):c.3250dup (p.Thr1084fs)

Gene: BRIP1 (BRCA1 interacting DNA helicase 1; minus strand). Cytogenetic location: 17q23.2.
Variant type: Duplication.
Coding change: c.3250dup on transcript NM_032043.3 (MANE Select); coding-DNA position 3250, one base duplicated (A; older notation c.3250dupA).
Protein change: p.Thr1084fs; shifts the reading frame from threonine 1084.
Molecular consequence: frameshift variant.
Genome position (GRCh38, 1-based): chr17:61,683,796, T duplicated on the plus strand (A on the coding strand, the reverse complement: BRIP1 is on the minus strand). VCF-style (leftmost placement, unchanged base first): chr17-61683795-G-GT. GRCh37 (hg19) VCF-style: chr17-59761156-G-GT.
Other names: short protein forms T1084fs.
Identifiers: ClinVar variation 3362806 (VCV003362806.1).

ClinVar aggregate classification (germline): Uncertain significance (1 of 4 stars; one submission).

Conditions:
Hereditary breast ovarian cancer syndrome. Also called: Hereditary breast and ovarian cancer; Hereditary breast and ovarian cancer syndrome (HBOC); Hereditary breast and ovarian cancer syndrome; Breast and ovarian cancer; Hereditary breast and/or ovarian cancer syndrome; BRCA1- and BRCA2-Associated Hereditary Breast and Ovarian Cancer. Identifiers: Orphanet 145, MedGen C0677776, MeSH D061325, MONDO:0003582. Disease mechanism: loss of function.

Submission:

German Consortium for Hereditary Breast and Ovarian Cancer, University Hospital Cologne
Classification: Uncertain significance for Hereditary breast ovarian cancer syndrome. Last evaluated: 2023-07-14. Review status: criteria provided, single submitter. Criteria: ACMG Guidelines, 2015. Collection method: curation. Allele origin: germline.
Comment: Class 3 Tendenz 4 Effekt von Varianten in den letzten beiden Exons von BRIP1 unklar. Funktionelle Test von Arne Needergard zeigen keinen Funktionsverlust (PARPi und Cisplatin Sensitivität); According to the ACMG standard criteria we chose these criteria: PVS1 (very strong pathogenic): FS-Variant im letzten Exon, PM2 (supporting pathogenic): PM2_supporting